The following is an entry in ClinVar:

ClinVar aggregate classification (germline): Uncertain significance (1 of 4 stars; one submission).

Conditions:
Hereditary cancer-predisposing syndrome. Also called: Neoplastic Syndromes, Hereditary; Tumor predisposition; Hereditary neoplastic syndrome; Hereditary Cancer Syndrome. Identifiers: Orphanet 140162, MedGen C0027672, MeSH D009386, MONDO:0015356.

Submission:

Ambry Genetics
Classification: Uncertain significance for Hereditary cancer-predisposing syndrome. Last evaluated: 2023-11-29. Review status: criteria provided, single submitter. Criteria: Ambry Variant Classification Scheme 2023. Collection method: clinical testing. Allele origin: germline.
Comment: The p.A413S variant (also known as c.1237G>T), located in coding exon 4 of the BARD1 gene, results from a G to T substitution at nucleotide position 1237. The alanine at codon 413 is replaced by serine, an amino acid with similar properties. This amino acid position is conserved. In addition, this alteration is predicted to be tolerated by in silico analysis. Since supporting evidence is limited at this time, the clinical significance of this alteration remains unclear.

NM_000465.4(BARD1):c.1237G>T (p.Ala413Ser)

Gene: BARD1 (BRCA1 associated RING domain 1; minus strand). Cytogenetic location: 2q35.
Variant type: single nucleotide variant.
Coding change: c.1237G>T on transcript NM_000465.4 (MANE Select); coding-DNA position 1237, G replaced by T.
Protein change: p.Ala413Ser; replaces alanine 413 with serine.
Molecular consequence: missense variant. On other transcripts: non-coding transcript variant (2), intron variant (3).
Genome position (GRCh38, 1-based): chr2:214,780,637, C>A on the plus strand (G>T on the coding strand, the complement: BARD1 is on the minus strand). VCF-style: chr2-214780637-C-A. GRCh37 (hg19) VCF-style: chr2-215645361-C-A.
Other names: c.1180G>T, p.Ala394Ser (NM_001282543.2); c.159-28082G>T (NM_001282548.2); c.215+16424G>T (NM_001282545.2); c.364+11660G>T (NM_001282549.2); short protein forms A394S, A413S.
Identifiers: ClinVar variation 3231763 (VCV003231763.1), dbSNP rs2106107923, ClinGen allele CA350453607.